The following is an entry in ClinVar:

NM_001127511.3(APC):c.165+20047C>T

Gene: APC (APC regulator of Wnt signaling pathway; plus strand). Cytogenetic location: 5q22.2.
Variant type: single nucleotide variant.
Coding change: c.165+20047C>T on transcript NM_001127511.3; 20047 bases into the intron after coding-DNA position 165, C replaced by T.
Molecular consequence: intron variant.
Genome position (GRCh38, 1-based): chr5:112,727,929, C>T. VCF-style: chr5-112727929-C-T. GRCh37 (hg19) VCF-style: chr5-112063626-C-T.
Other names: c.-1054+20047C>T (NM_001407470.1, NM_001407472.1); c.-19+20047C>T (NM_001407447.1, NM_001354895.2, NM_001407456.1 and 3 more transcripts); c.165+20047C>T (NM_001407446.1, NM_001354897.2, NM_001354902.2); c.-19+20280C>T (NM_001407448.1, NM_001407450.1, NM_001407457.1 and 1 more transcripts); c.-43+20280C>T (NM_001407453.1).
Identifiers: ClinVar variation 82699 (VCV000082699.4), dbSNP rs76301623, ClinGen allele CA023467.

ClinVar aggregate classification (germline): other (0 of 4 stars; one submission).

Conditions:
Familial colorectal cancer. Identifiers: MedGen CN280943, MONDO:0023113. Disease mechanism: loss of function.

Submission:

Systems Biology Platform Zhejiang California International NanoSystems Institute
Classification: other for Familial colorectal cancer. Review status: no assertion criteria provided. Collection method: not provided. Allele origin: unknown.
ClinVar note: Converted during submission from cancer to other.